The following is an entry in ClinVar:

NM_007194.4(CHEK2):c.793-1G>T

Gene: CHEK2 (checkpoint kinase 2; minus strand). Cytogenetic location: 22q12.1.
Variant type: single nucleotide variant.
Coding change: c.793-1G>T on transcript NM_007194.4 (MANE Select); the canonical splice acceptor site of the intron before coding-DNA position 793, G replaced by T.
Molecular consequence: splice acceptor variant.
Genome position (GRCh38, 1-based): chr22:28,710,060, C>A on the plus strand (G>T on the coding strand, the complement: CHEK2 is on the minus strand). VCF-style: chr22-28710060-C-A. GRCh37 (hg19) VCF-style: chr22-29106048-C-A.
Other names: c.130-1G>T (NM_001437942.1, NM_001257387.3); c.592-1G>T (NM_001349956.3); c.793-1G>T (NM_145862.3); c.886-1G>T (NM_001438295.1, NM_001438293.1); c.922-1G>T (NM_001438294.1, NM_001005735.3).
Identifiers: ClinVar variation 801161 (VCV000801161.8), dbSNP rs730881687, ClinGen allele CA10167857.

ClinVar aggregate classification (germline): Pathogenic/Likely pathogenic. Review status: criteria provided, multiple submitters, no conflicts (2 of 4 stars). 4 submissions from 4 submitters: Pathogenic (1); Likely pathogenic (3). Last evaluated 2025-09-24.

Conditions:
Hereditary cancer-predisposing syndrome. Also called: Tumor predisposition; Neoplastic Syndromes, Hereditary; Hereditary Cancer Syndrome; Hereditary neoplastic syndrome. Identifiers: Orphanet 140162, MedGen C0027672, MeSH D009386, MONDO:0015356.
Familial cancer of breast. Also called: hereditary breast carcinoma; BREAST CANCER, FAMILIAL; Hereditary breast cancer. Identifiers: Orphanet 227535, MedGen C0346153, MONDO:0016419, OMIM 114480. Disease mechanism: loss of function.

Allele frequency attached by ClinVar (database versions not stated): ExAC 0.00001.

Submissions (4):

Labcorp Genetics (formerly Invitae), Labcorp
Classification: Pathogenic for Familial cancer of breast. Last evaluated: 2025-09-24. Review status: criteria provided, single submitter. Criteria: Invitae Variant Classification Sherloc (09022015). Collection method: clinical testing. Allele origin: germline.
Comment: This sequence change affects an acceptor splice site in intron 6 of the CHEK2 gene. RNA analysis indicates that disruption of this splice site induces altered splicing and may result in an absent or altered protein product. This variant is present in population databases (rs730881687, gnomAD 0.007%). Disruption of this splice site has been observed in individual(s) with breast cancer and prostate cancer (PMID: 26681312, 27751358, 29520813, 31349801; internal data). ClinVar contains an entry for this variant (Variation ID: 801161). Studies have shown that disruption of this splice site results in activation of a cryptic splice site, and produces a non-functional protein and/or introduces a premature termination codon (PMID: 31349801; internal data). For these reasons, this variant has been classified as Pathogenic.

Baylor Genetics
Classification: Likely pathogenic for Familial cancer of breast. Last evaluated: 2023-01-01. Review status: criteria provided, single submitter. Criteria: ACMG Guidelines, 2015. Collection method: clinical testing. Allele origin: unknown.

Ambry Genetics
Classification: Likely pathogenic for Hereditary cancer-predisposing syndrome. Last evaluated: 2019-10-09. Review status: criteria provided, single submitter. Criteria: Ambry Variant Classification Scheme 2023. Collection method: clinical testing. Allele origin: germline.
Comment: The c.793-1G>T pathogenic intronic variant results from a G to T substitution one nucleotide upstream from coding exon 6 of the CHEK2 gene. This nucleotide position is highly conserved in available vertebrate species. Using the BDGP and ESEfinder splice site prediction tools, this alteration is predicted to abolish the native splice acceptor site. RNA studies have demonstrated this alteration results in abnormal splicing in the set of samples tested (Ambry internal data). Alterations that disrupt the canonical splice site are expected to cause aberrant splicing, resulting in an abnormal protein or a transcript that is subject to nonsense-mediated mRNA decay. Based on the majority of available evidence to date, this variant is likely to be pathogenic.

Quest Diagnostics Nichols Institute San Juan Capistrano
Classification: Likely pathogenic. Last evaluated: 2019-04-22. Review status: criteria provided, single submitter. Criteria: Quest Diagnostics criteria. Collection method: clinical testing. Allele origin: germline.
Comment: The variant disrupts a canonical splice site, and is therefore predicted to result in the loss of a functional protein. The variant found in general population data with a frequency that is consistent with pathogenicity. Predicted to negatively affect a known splice site. Nucleotide conservation is uninformative.

Literature cited by the submitters: PubMed 26681312 (cited by Labcorp Genetics (formerly Invitae), Labcorp); PubMed 27751358 (cited by Labcorp Genetics (formerly Invitae), Labcorp); PubMed 29520813 (cited by Labcorp Genetics (formerly Invitae), Labcorp); PubMed 31349801 (cited by Labcorp Genetics (formerly Invitae), Labcorp and Ambry Genetics).